The following is an entry in ClinVar:

ClinVar aggregate classification (germline): Benign/Likely benign. Review status: criteria provided, multiple submitters, no conflicts (2 of 4 stars). 3 submissions from 3 submitters: Benign (1); Likely benign (2). Last evaluated 2025-06-10.

Conditions:
Hereditary cancer-predisposing syndrome. Also called: Neoplastic Syndromes, Hereditary; Tumor predisposition; Hereditary neoplastic syndrome; Hereditary Cancer Syndrome. Identifiers: Orphanet 140162, MedGen C0027672, MeSH D009386, MONDO:0015356.
Von Hippel-Lindau syndrome (VHLS). Also called: Von Hippel-Lindau; VHL syndrome; von Hippel–Lindau syndrome. Identifiers: Orphanet 892, MedGen C0019562, MONDO:0008667, OMIM 193300. Disease mechanism: loss of function.
Chuvash polycythemia. Also called: POLYCYTHEMIA, VHL-DEPENDENT. Identifiers: Orphanet 238557, MedGen C1837915, MONDO:0009892, OMIM 263400.

Submissions (3):

Myriad Genetics, Inc.
Classification: Benign for Von Hippel-Lindau syndrome. Last evaluated: 2025-06-10. Review status: criteria provided, single submitter. Criteria: Myriad Autosomal Dominant, Autosomal Recessive and X-Linked Classification Criteria (2023). Collection method: clinical testing. Allele origin: unknown.
Comment: This variant is considered benign. This variant is a silent/synonymous amino acid change and it is not expected to impact splicing.

Labcorp Genetics (formerly Invitae), Labcorp
Classification: Likely benign for Von Hippel-Lindau syndrome; Chuvash polycythemia. Last evaluated: 2023-08-10. Review status: criteria provided, single submitter. Criteria: Invitae Variant Classification Sherloc (09022015). Collection method: clinical testing. Allele origin: germline.

Ambry Genetics
Classification: Likely benign for Hereditary cancer-predisposing syndrome. Last evaluated: 2019-12-30. Review status: criteria provided, single submitter. Criteria: Ambry Variant Classification Scheme 2023. Collection method: clinical testing. Allele origin: germline.

NM_000551.4(VHL):c.111G>A (p.Glu37=)

Gene: VHL (von Hippel-Lindau tumor suppressor; plus strand). Cytogenetic location: 3p25.3.
Variant type: single nucleotide variant.
Coding change: c.111G>A on transcript NM_000551.4 (MANE Select); coding-DNA position 111, G replaced by A.
Protein change: p.Glu37=; no amino-acid change (glutamic acid 37 retained).
Molecular consequence: synonymous variant. On other transcripts: non-coding transcript variant (1).
Genome position (GRCh38, 1-based): chr3:10,141,958, G>A. VCF-style: chr3-10141958-G-A. GRCh37 (hg19) VCF-style: chr3-10183642-G-A.
Other names: c.111G>A, p.Glu37= (NM_001354723.2, NM_198156.3).
Identifiers: ClinVar variation 1797362 (VCV001797362.8), dbSNP rs1398333169, ClinGen allele CA432536333.